The following is an entry in ClinVar:

NM_000587.4(C7):c.811C>T (p.Gln271Ter)

Gene: C7 (complement C7; plus strand). Cytogenetic location: 5p13.1.
Variant type: single nucleotide variant.
Coding change: c.811C>T on transcript NM_000587.4 (MANE Select); coding-DNA position 811, C replaced by T.
Protein change: p.Gln271Ter; replaces glutamine 271 with a stop codon.
Molecular consequence: nonsense.
Genome position (GRCh38, 1-based): chr5:40,947,674, C>T. VCF-style: chr5-40947674-C-T. GRCh37 (hg19) VCF-style: chr5-40947776-C-T.
Other names: short protein forms Q271*.
Identifiers: ClinVar variation 2050643 (VCV002050643.5), dbSNP rs2478192839, ClinGen allele CA359582551.
Genomic context (GRCh38, chr5:40,947,674, plus strand): 5'-CTGGTTGTTGAGAACACTGTTGAAGTGGCTCAGTTCATTAATAACAATCCAGAATTTTTA[C>T]AACTTGCTGAGCCATTCTGGAAGGAGCTTTCCCACCTCCCCTCTCTGTATGACTACAGTG-3'

ClinVar aggregate classification (germline): Pathogenic/Likely pathogenic. Review status: criteria provided, multiple submitters, no conflicts (2 of 4 stars). 2 submissions from 2 submitters: Pathogenic (1); Likely pathogenic (1). Last evaluated 2025-12-22.

Submissions (2):

Labcorp Genetics (formerly Invitae), Labcorp
Classification: Pathogenic. Last evaluated: 2025-12-22. Review status: criteria provided, single submitter. Criteria: Invitae Variant Classification Sherloc (09022015). Collection method: clinical testing. Allele origin: germline.
Comment: This sequence change creates a premature translational stop signal (p.Gln271*) in the C7 gene. It is expected to result in an absent or disrupted protein product. Loss-of-function variants in C7 are known to be pathogenic (PMID: 9856499, 17407100). This variant is not present in population databases (gnomAD no frequency). This variant has not been reported in the literature in individuals affected with C7-related conditions. ClinVar contains an entry for this variant (Variation ID: 2050643). For these reasons, this variant has been classified as Pathogenic.

Dasa
Classification: Likely pathogenic. Last evaluated: 2025-12-08. Review status: criteria provided, single submitter. Criteria: DASA Assertion Criteria. Collection method: clinical testing. Allele origin: germline.
Comment: NM_000587.4(C7):c.811C>T (p.Gln271*) introduces a premature termination codon predicted to result in loss of normal protein function. Loss-of-function is an established mechanism of disease for this gene. The variant is present at low frequency in population datasets. Based on the available data, this variant is classified as likely pathogenic.

Literature cited by the submitters: PubMed 9856499 (cited by Labcorp Genetics (formerly Invitae), Labcorp); PubMed 17407100 (cited by Labcorp Genetics (formerly Invitae), Labcorp).